The following is an entry in ClinVar:

ClinVar aggregate classification (germline): Likely benign (1 of 4 stars; one submission).

Allele frequency attached by ClinVar (database versions not stated): TOPMed 0.00003 and 0.00002; gnomAD 0.00005.
gnomAD v4.1: 9 of 1,611,676 alleles (0.00056%); highest among the groups gnomAD compares: African/African-American, 0.012%; no homozygotes.

Submission:

GeneDx
Classification: Likely benign. Last evaluated: 2017-11-09. Review status: criteria provided, single submitter. Criteria: GeneDx Variant Classification (06012015). Collection method: clinical testing. Allele origin: germline. Affected: yes.
Comment: This variant is considered likely benign or benign based on one or more of the following criteria: it is a conservative change, it occurs at a poorly conserved position in the protein, it is predicted to be benign by multiple in silico algorithms, and/or has population frequency not consistent with disease.

NM_001267550.2(TTN):c.26869G>A (p.Val8957Ile)

Gene: TTN (titin; minus strand). Cytogenetic location: 2q31.2.
Variant type: single nucleotide variant.
Coding change: c.26869G>A on transcript NM_001267550.2 (MANE Select); coding-DNA position 26869, G replaced by A.
Protein change: p.Val8957Ile; replaces valine 8957 with isoleucine.
Molecular consequence: missense variant. On other transcripts: intron variant (3).
Genome position (GRCh38, 1-based): chr2:178,713,265, C>T on the plus strand (G>A on the coding strand, the complement: TTN is on the minus strand). VCF-style: chr2-178713265-C-T. GRCh37 (hg19) VCF-style: chr2-179577992-C-T.
Other names: c.25918G>A, p.Val8640Ile (NM_001256850.1); c.23137G>A, p.Val7713Ile (NM_133378.4); c.13282+24817G>A (NM_003319.4); c.13858+24817G>A (NM_133437.4); c.13657+24817G>A (NM_133432.3); short protein forms V8640I, V8957I, V7713I.
Identifiers: ClinVar variation 506693 (VCV000506693.1), dbSNP rs1008014872, ClinGen allele CA60966464.